The following is an entry in ClinVar:

ClinVar aggregate classification (germline): Uncertain significance (1 of 4 stars; one submission).

Submission:

GeneDx
Classification: Uncertain significance. Last evaluated: 2025-05-06. Review status: criteria provided, single submitter. Criteria: GeneDx Variant Classification Process June 2021. Collection method: clinical testing. Allele origin: germline.
Comment: Not observed at significant frequency in large population cohorts (gnomAD); In silico analysis supports that this missense variant has a deleterious effect on protein structure/function; Has not been previously published as pathogenic or benign to our knowledge; Variants in candidate genes are classified as variants of uncertain significance in accordance with ACMG guidelines (PMID: 25741868)

NM_014709.4(USP34):c.6169G>T (p.Asp2057Tyr)

Gene: USP34 (ubiquitin specific peptidase 34; minus strand). Cytogenetic location: 2p15.
Variant type: single nucleotide variant.
Coding change: c.6169G>T on transcript NM_014709.4 (MANE Select); coding-DNA position 6169, G replaced by T.
Protein change: p.Asp2057Tyr; replaces aspartic acid 2057 with tyrosine.
Molecular consequence: missense variant.
Genome position (GRCh38, 1-based): chr2:61,256,436, C>A on the plus strand (G>T on the coding strand, the complement: USP34 is on the minus strand). VCF-style: chr2-61256436-C-A. GRCh37 (hg19) VCF-style: chr2-61483571-C-A.
Other names: short protein forms D2057Y.
Identifiers: ClinVar variation 4975136 (VCV004975136.1).